The following is an entry in ClinVar:

ClinVar aggregate classification (germline): Uncertain significance (1 of 4 stars; one submission).

Conditions:
Inborn genetic diseases. Identifiers: MedGen C0950123, MeSH D030342.

Submission:

Ambry Genetics
Classification: Uncertain significance for Inborn genetic diseases. Last evaluated: 2022-11-17. Review status: criteria provided, single submitter. Criteria: Ambry Variant Classification Scheme 2023. Collection method: clinical testing. Allele origin: germline.
Comment: The p.E641K variant (also known as c.1921G>A), located in coding exon 15 of the BUB1B gene, results from a G to A substitution at nucleotide position 1921. The glutamic acid at codon 641 is replaced by lysine, an amino acid with similar properties. This amino acid position is conserved. In addition, this alteration is predicted to be tolerated by in silico analysis. Since supporting evidence is limited at this time, the clinical significance of this alteration remains unclear.

NM_001211.6(BUB1B):c.1921G>A (p.Glu641Lys)

Gene: BUB1B (BUB1 mitotic checkpoint serine/threonine kinase B; plus strand). Cytogenetic location: 15q15.1.
Variant type: single nucleotide variant.
Coding change: c.1921G>A on transcript NM_001211.6 (MANE Select); coding-DNA position 1921, G replaced by A.
Protein change: p.Glu641Lys; replaces glutamic acid 641 with lysine.
Molecular consequence: missense variant.
Genome position (GRCh38, 1-based): chr15:40,206,370, G>A. VCF-style: chr15-40206370-G-A. GRCh37 (hg19) VCF-style: chr15-40498571-G-A.
Other names: short protein forms E641K.
Identifiers: ClinVar variation 2450806 (VCV002450806.2), dbSNP rs2542564998, ClinGen allele CA391692681.
Genomic context (GRCh38, chr15:40,206,370, plus strand): 5'-CCTTTTCATGAGATAATGTCCTTGAAGGATCTCCCTTCTGATCCTGAGAGACTGTTACCG[G>A]AAGAAGATCTAGATGTAAAGACCTCTGAGGACCAGCAGACAGCTTGTGGCACTATCTACA-3'
Protein context (NP_001202.5, residues 631-651): LPSDPERLLP[Glu641Lys]EDLDVKTSED